The following is an entry in ClinVar:

NM_014915.3(ANKRD26):c.674G>A (p.Arg225Lys)

Gene: ANKRD26 (ankyrin repeat domain 26; minus strand). Cytogenetic location: 10p12.1.
Variant type: single nucleotide variant.
Coding change: c.674G>A on transcript NM_014915.3 (MANE Select); coding-DNA position 674, G replaced by A.
Protein change: p.Arg225Lys; replaces arginine 225 with lysine.
Molecular consequence: missense variant.
Genome position (GRCh38, 1-based): chr10:27,086,574, C>T on the plus strand (G>A on the coding strand, the complement: ANKRD26 is on the minus strand). VCF-style: chr10-27086574-C-T. GRCh37 (hg19) VCF-style: chr10-27375503-C-T.
Other names: c.674G>A, p.Arg225Lys (NM_001256053.2); short protein forms R225K.
Identifiers: ClinVar variation 2897781 (VCV002897781.3), dbSNP rs1220142400, ClinGen allele CA376366065.

ClinVar aggregate classification (germline): Uncertain significance (1 of 4 stars; one submission).

Submission:

Labcorp Genetics (formerly Invitae), Labcorp
Classification: Uncertain significance. Last evaluated: 2023-09-03. Review status: criteria provided, single submitter. Criteria: Invitae Variant Classification Sherloc (09022015). Collection method: clinical testing. Allele origin: germline.
Comment: In summary, the available evidence is currently insufficient to determine the role of this variant in disease. Therefore, it has been classified as a Variant of Uncertain Significance. Algorithms developed to predict the effect of missense changes on protein structure and function output the following: SIFT: "Not Available"; PolyPhen-2: "Benign"; Align-GVGD: "Not Available". The lysine amino acid residue is found in multiple mammalian species, which suggests that this missense change does not adversely affect protein function. This variant has not been reported in the literature in individuals affected with ANKRD26-related conditions. This variant is not present in population databases (gnomAD no frequency). This sequence change replaces arginine, which is basic and polar, with lysine, which is basic and polar, at codon 225 of the ANKRD26 protein (p.Arg225Lys).